The following is an entry in ClinVar:

ClinVar aggregate classification (germline): Uncertain significance. Review status: criteria provided, multiple submitters, no conflicts (2 of 4 stars). 3 submissions from 3 submitters: Uncertain significance (3). Last evaluated 2025-10-05.

Conditions:
Inborn genetic diseases. Identifiers: MedGen C0950123, MeSH D030342.
Bohring-Opitz syndrome. Also called: C-LIKE SYNDROME; BOHRING SYNDROME; OPITZ TRIGONOCEPHALY-LIKE SYNDROME; ASXL1-Related Bohring-Opitz Syndrome. Identifiers: Orphanet 97297, MedGen C0796232, MONDO:0011510, OMIM 605039.

Allele frequency attached by ClinVar (database versions not stated): gnomAD 0.00001.
gnomAD v4.1: 1 of 1,613,942 alleles (0.000062%); highest among the groups gnomAD compares: African/African-American, 0.0013%; no homozygotes.

Submissions (3):

Ambry Genetics
Classification: Uncertain significance for Inborn genetic diseases. Last evaluated: 2025-10-05. Review status: criteria provided, single submitter. Criteria: Ambry Variant Classification Scheme 2023. Collection method: clinical testing. Allele origin: germline.
Comment: The p.V1349A variant (also known as c.4046T>C), located in coding exon 13 of the ASXL1 gene, results from a T to C substitution at nucleotide position 4046. The valine at codon 1349 is replaced by alanine, an amino acid with similar properties. This amino acid position is conserved. In addition, this alteration is predicted to be tolerated by in silico analysis. Based on the available evidence, the clinical significance of this variant remains unclear.

Labcorp Genetics (formerly Invitae), Labcorp
Classification: Uncertain significance. Last evaluated: 2022-07-25. Review status: criteria provided, single submitter. Criteria: Invitae Variant Classification Sherloc (09022015). Collection method: clinical testing. Allele origin: germline.
Comment: In summary, the available evidence is currently insufficient to determine the role of this variant in disease. Therefore, it has been classified as a Variant of Uncertain Significance. Algorithms developed to predict the effect of missense changes on protein structure and function output the following: SIFT: "Tolerated"; PolyPhen-2: "Benign"; Align-GVGD: "Class C0". The alanine amino acid residue is found in multiple mammalian species, which suggests that this missense change does not adversely affect protein function. This variant has not been reported in the literature in individuals affected with ASXL1-related conditions. This variant is not present in population databases (gnomAD no frequency). This sequence change replaces valine, which is neutral and non-polar, with alanine, which is neutral and non-polar, at codon 1349 of the ASXL1 protein (p.Val1349Ala).

Revvity Omics, Revvity
Classification: Uncertain significance for Bohring-Opitz syndrome. Last evaluated: 2020-08-26. Review status: criteria provided, single submitter. Criteria: ACMG Guidelines, 2015. Collection method: clinical testing. Allele origin: germline.

NM_015338.6(ASXL1):c.4046T>C (p.Val1349Ala)

Gene: ASXL1 (ASXL transcriptional regulator 1; plus strand). Cytogenetic location: 20q11.21.
Variant type: single nucleotide variant.
Coding change: c.4046T>C on transcript NM_015338.6 (MANE Select); coding-DNA position 4046, T replaced by C.
Protein change: p.Val1349Ala; replaces valine 1349 with alanine.
Molecular consequence: missense variant.
Genome position (GRCh38, 1-based): chr20:32,436,758, T>C. VCF-style: chr20-32436758-T-C. GRCh37 (hg19) VCF-style: chr20-31024561-T-C.
Other names: c.3863T>C, p.Val1288Ala (NM_001363734.1); short protein forms V1288A, V1349A.
Identifiers: ClinVar variation 1960951 (VCV001960951.9), dbSNP rs2011922573, ClinGen allele CA408564326.